The following is an entry in ClinVar:

NM_001048174.2(MUTYH):c.956A>G (p.Glu319Gly)

Gene: MUTYH (mutY DNA glycosylase; minus strand). Cytogenetic location: 1p34.1.
Variant type: single nucleotide variant.
Coding change: c.956A>G on transcript NM_001048174.2 (MANE Select); coding-DNA position 956, A replaced by G.
Protein change: p.Glu319Gly; replaces glutamic acid 319 with glycine.
Molecular consequence: missense variant. On other transcripts: non-coding transcript variant (2).
Genome position (GRCh38, 1-based): chr1:45,331,807, T>C on the plus strand (A>G on the coding strand, the complement: MUTYH is on the minus strand). VCF-style: chr1-45331807-T-C. GRCh37 (hg19) VCF-style: chr1-45797479-T-C.
Other names: c.956A>G, p.Glu319Gly (NM_001048171.2, NM_001048173.2, NM_001293195.2 and 6 more transcripts); c.959A>G, p.Glu320Gly (NM_001048172.2, NM_001407071.1, NM_001407078.1 and 1 more transcripts); c.1040A>G, p.Glu347Gly (NM_001128425.2); c.1001A>G, p.Glu334Gly (NM_001293190.2); c.989A>G, p.Glu330Gly (NM_001293191.2, NM_001407069.1, NM_001407077.1); c.680A>G, p.Glu227Gly (NM_001293192.2, NM_001293196.2, NM_001407091.1); c.611A>G, p.Glu204Gly (NM_001350650.2, NM_001350651.2, NM_001407082.1); c.872A>G, p.Glu291Gly (NM_001407075.1); and 5 more; short protein forms E291G, E333G, E204G, E319G, E320G, E305G, E306G, E344G.
Identifiers: ClinVar variation 2163021 (VCV002163021.8), dbSNP rs2149128829, ClinGen allele CA340133796.

ClinVar aggregate classification (germline): Conflicting classifications of pathogenicity. Review status: criteria provided, conflicting classifications (1 of 4 stars). 3 submissions from 3 submitters: Uncertain significance (2); Likely benign (1). Last evaluated 2025-09-09.

Conditions:
Familial adenomatous polyposis 2. Also called: FAP type 2; Adenomas, multiple colorectal; MUTYH-associated polyposis; MUTYH-related attenuated familial adenomatous polyposis; MYH-associated polyposis; COLORECTAL ADENOMATOUS POLYPOSIS, AUTOSOMAL RECESSIVE. Identifiers: Orphanet 220460, Orphanet 247798, MedGen C3272841, MONDO:0012041, OMIM 608456.
Hereditary cancer-predisposing syndrome. Also called: Neoplastic Syndromes, Hereditary; Hereditary Cancer Syndrome; Hereditary neoplastic syndrome; Tumor predisposition. Identifiers: Orphanet 140162, MedGen C0027672, MeSH D009386, MONDO:0015356.

Submissions (3):

Ambry Genetics
Classification: Likely benign for Hereditary cancer-predisposing syndrome. Last evaluated: 2025-09-09. Review status: criteria provided, single submitter. Criteria: Ambry Variant Classification Scheme 2023. Collection method: clinical testing. Allele origin: germline.

Baylor Genetics
Classification: Uncertain significance for Familial adenomatous polyposis 2. Last evaluated: 2024-02-28. Review status: criteria provided, single submitter. Criteria: ACMG Guidelines, 2015. Collection method: clinical testing. Allele origin: unknown.

Labcorp Genetics (formerly Invitae), Labcorp
Classification: Uncertain significance for Familial adenomatous polyposis 2. Last evaluated: 2024-02-23. Review status: criteria provided, single submitter. Criteria: Invitae Variant Classification Sherloc (09022015). Collection method: clinical testing. Allele origin: germline.
Comment: This sequence change replaces glutamic acid, which is acidic and polar, with glycine, which is neutral and non-polar, at codon 347 of the MUTYH protein (p.Glu347Gly). This variant is not present in population databases (gnomAD no frequency). This variant has not been reported in the literature in individuals affected with MUTYH-related conditions. ClinVar contains an entry for this variant (Variation ID: 2163021). An algorithm developed to predict the effect of missense changes on protein structure and function (PolyPhen-2) suggests that this variant is likely to be tolerated. In summary, the available evidence is currently insufficient to determine the role of this variant in disease. Therefore, it has been classified as a Variant of Uncertain Significance.

Literature cited by the submitters: PubMed 40738107 (cited by Ambry Genetics).